The following is an entry in ClinVar:

ClinVar aggregate classification (germline): Uncertain significance. Review status: criteria provided, multiple submitters, no conflicts (2 of 4 stars). 3 submissions from 3 submitters: Uncertain significance (3). Last evaluated 2024-12-12.

Conditions:
Autosomal recessive polycystic kidney disease (ARPKD). Also called: AR polycystic kidney disease. Identifiers: Orphanet 731, Orphanet 8378, MedGen C0085548, MeSH D017044, MONDO:0009889.

Allele frequency attached by ClinVar (database versions not stated): ExAC 0.00002; gnomAD 0.00004; TOPMed 0.00004.
gnomAD v4.1: 19 of 1,612,720 alleles (0.0012%); highest among the groups gnomAD compares: Admixed American, 0.0067%; no homozygotes.

Submissions (3):

Labcorp Genetics (formerly Invitae), Labcorp
Classification: Uncertain significance for Autosomal recessive polycystic kidney disease. Last evaluated: 2024-12-12. Review status: criteria provided, single submitter. Criteria: Invitae Variant Classification Sherloc (09022015). Collection method: clinical testing. Allele origin: germline.
Comment: This sequence change replaces aspartic acid, which is acidic and polar, with glycine, which is neutral and non-polar, at codon 3409 of the PKHD1 protein (p.Asp3409Gly). This variant is not present in population databases (gnomAD no frequency). This missense change has been observed in individual(s) with clinical features of polycystic kidney disease (PMID: 26385851). ClinVar contains an entry for this variant (Variation ID: 2080465). Invitae Evidence Modeling of protein sequence and biophysical properties (such as structural, functional, and spatial information, amino acid conservation, physicochemical variation, residue mobility, and thermodynamic stability) has been performed for this missense variant. However, the output from this modeling did not meet the statistical confidence thresholds required to predict the impact of this variant on PKHD1 protein function. This variant disrupts the p.Asp3409 amino acid residue in PKHD1. Other variant(s) that disrupt this residue have been determined to be pathogenic (PMID: 16133180, 35812281). This suggests that this residue is clinically significant, and that variants that disrupt this residue are likely to be disease-causing. In summary, the available evidence is currently insufficient to determine the role of this variant in disease. Therefore, it has been classified as a Variant of Uncertain Significance.

Blueprint Genetics
Classification: Uncertain significance. Last evaluated: 2024-11-07. Review status: criteria provided, single submitter. Criteria: ACMG Guidelines, 2015. Collection method: clinical testing. Allele origin: germline.

Women's Health and Genetics/Laboratory Corporation of America, LabCorp
Classification: Uncertain significance. Last evaluated: 2023-08-30. Review status: criteria provided, single submitter. Criteria: LabCorp Variant Classification Summary - May 2015. Collection method: clinical testing. Allele origin: germline.
Comment: Variant summary: PKHD1 c.10226A>G (p.Asp3409Gly) results in a non-conservative amino acid change in the encoded protein sequence. Four of five in-silico tools predict a damaging effect of the variant on protein function. The variant allele was found at a frequency of 4e-06 in 250420 control chromosomes. The available data on variant occurrences in the general population are insufficient to allow any conclusion about variant significance. c.10226A>G has been reported in the literature in individuals affected with Caroli Disease (Courcet_2015) without evidence for causality. These reports do not provide unequivocal conclusions about association of the variant with Polycystic Kidney And Hepatic Disease. To our knowledge, no experimental evidence demonstrating an impact on protein function has been reported. The following publication have been ascertained in the context of this evaluation (PMID: 26385851). One submitter has cited clinical-significance assessments for this variant to ClinVar after 2014 and has classified the variant as uncertain significance. Based on the evidence outlined above, the variant was classified as uncertain significance.

Literature cited by the submitters: PubMed 26385851 (cited by Labcorp Genetics (formerly Invitae), Labcorp and Women's Health and Genetics/Laboratory Corporation of America, LabCorp); PubMed 16133180 (cited by Labcorp Genetics (formerly Invitae), Labcorp); PubMed 35812281 (cited by Labcorp Genetics (formerly Invitae), Labcorp).

NM_138694.4(PKHD1):c.10226A>G (p.Asp3409Gly)

Gene: PKHD1 (PKHD1 ciliary IPT domain containing fibrocystin/polyductin; minus strand). Cytogenetic location: 6p12.3.
Variant type: single nucleotide variant.
Coding change: c.10226A>G on transcript NM_138694.4 (MANE Select); coding-DNA position 10226, A replaced by G.
Protein change: p.Asp3409Gly; replaces aspartic acid 3409 with glycine.
Molecular consequence: missense variant.
Genome position (GRCh38, 1-based): chr6:51,659,900, T>C on the plus strand (A>G on the coding strand, the complement: PKHD1 is on the minus strand). VCF-style: chr6-51659900-T-C. GRCh37 (hg19) VCF-style: chr6-51524698-T-C.
Other names: c.10226A>G (NM_138694.3); short protein forms D3409G.
Identifiers: ClinVar variation 2080465 (VCV002080465.4), dbSNP rs754808508, ClinGen allele CA3851127.